The following is an entry in ClinVar:

NM_057175.5(NAA15):c.2338C>T (p.Gln780Ter)

Gene: NAA15 (N-alpha-acetyltransferase 15, NatA auxiliary subunit; plus strand). Cytogenetic location: 4q31.1.
Variant type: single nucleotide variant.
Coding change: c.2338C>T on transcript NM_057175.5 (MANE Select); coding-DNA position 2338, C replaced by T.
Protein change: p.Gln780Ter; replaces glutamine 780 with a stop codon.
Molecular consequence: nonsense.
Genome position (GRCh38, 1-based): chr4:139,386,168, C>T. VCF-style: chr4-139386168-C-T. GRCh37 (hg19) VCF-style: chr4-140307322-C-T.
Other names: c.2335C>T, p.Gln779Ter (NM_001410842.1); c.*747C>T (NM_025085.2); short protein forms Q779*, Q780*.
Identifiers: ClinVar variation 3171235 (VCV003171235.3), dbSNP rs2530484956, ClinGen allele CA358270877.

ClinVar aggregate classification (germline): Pathogenic/Likely pathogenic. Review status: criteria provided, multiple submitters, no conflicts (2 of 4 stars). 3 submissions from 3 submitters: Pathogenic (1); Likely pathogenic (2). Last evaluated 2026-09-01.

Conditions:
NAA15-related disorder.
Inborn genetic diseases. Identifiers: MedGen C0950123, MeSH D030342.

Submissions (3):

CeGaT Center for Human Genetics Tuebingen
Classification: Pathogenic. Last evaluated: 2026-09-01. Review status: criteria provided, single submitter. Criteria: CeGaT Center For Human Genetics Tuebingen Variant Classification Criteria Version 2. Collection method: clinical testing. Allele origin: germline. Affected: yes. Observed: 1 variant allele.
Comment: NAA15: PVS1, PM2, PS2:Moderate

Ambry Genetics
Classification: Likely pathogenic for Inborn genetic diseases. Last evaluated: 2024-02-06. Review status: criteria provided, single submitter. Criteria: Ambry Variant Classification Scheme 2023. Collection method: clinical testing. Allele origin: germline.
Comment: The c.2338C>T (p.Q780*) alteration, located in exon 19 (coding exon 19) of the NAA15 gene, consists of a C to T substitution at nucleotide position 2338. This changes the amino acid from a glutamine (Q) to a stop codon at amino acid position 780. This alteration is expected to result in loss of function by premature protein truncation or nonsense-mediated mRNA decay. This variant was not reported in population-based cohorts in the Genome Aggregation Database (gnomAD). Based on the available evidence, this alteration is classified as likely pathogenic.

Blueprint Genetics
Classification: Likely pathogenic for NAA15-related disorders. Last evaluated: 2023-09-21. Review status: criteria provided, single submitter. Criteria: ACMG Guidelines, 2015. Collection method: clinical testing. Allele origin: de novo. Affected: yes. Observed: 1 variant allele.